The following is an entry in ClinVar:

NM_020338.4(ZMIZ1):c.389GCTCCATGA[1] (p.130SSM[1])

Gene: ZMIZ1 (zinc finger MIZ-type containing 1; plus strand). Cytogenetic location: 10q22.3.
Variant type: Microsatellite.
Coding change: c.389GCTCCATGA[1] on transcript NM_020338.4 (MANE Select); one copy of the 9-base unit GCTCCATGA starting at c.389; the reference has two copies in a row; one copy, 9 bases deleted.
Protein change: p.130SSM[1].
Molecular consequence: inframe deletion.
Genome position (GRCh38, 1-based): chr10:79,277,298-79,277,306, GCTCCATGA deleted; deleting any 9 consecutive bases within chr10:79,277,288-79,277,306 gives the same sequence; the position shown is the placement nearest the transcript's 3' end. VCF-style (leftmost placement, unchanged base first): chr10-79277287-CAGCTCCATG-C. GRCh37 (hg19) VCF-style: chr10-81037044-CAGCTCCATG-C.
Identifiers: ClinVar variation 2640630 (VCV002640630.24), dbSNP rs749103304, ClinGen allele CA5572292.

ClinVar aggregate classification (germline): Likely benign (1 of 4 stars; one submission).

Submission:

CeGaT Center for Human Genetics Tuebingen
Classification: Likely benign. Last evaluated: 2022-08-01. Review status: criteria provided, single submitter. Criteria: CeGaT Center For Human Genetics Tuebingen Variant Classification Criteria Version 2. Collection method: clinical testing. Allele origin: germline. Affected: yes. Observed: 1 variant allele.
Comment: ZMIZ1: BS2